The following is an entry in ClinVar:

ClinVar aggregate classification (germline): Uncertain significance (1 of 4 stars; one submission).

Conditions:
Duchenne muscular dystrophy (DMD). Also called: MUSCULAR DYSTROPHY, PSEUDOHYPERTROPHIC PROGRESSIVE, DUCHENNE TYPE; Duchenne Muscular Dystrophy (DMD). Identifiers: Orphanet 98896, MedGen C0013264, MONDO:0010679, OMIM 310200.

Allele frequency attached by ClinVar (database versions not stated): ExAC 0.00001; gnomAD exomes 0.00001.

Submission:

Labcorp Genetics (formerly Invitae), Labcorp
Classification: Uncertain significance for Duchenne muscular dystrophy. Last evaluated: 2023-08-07. Review status: criteria provided, single submitter. Criteria: Invitae Variant Classification Sherloc (09022015). Collection method: clinical testing. Allele origin: germline.
Comment: This sequence change replaces aspartic acid, which is acidic and polar, with histidine, which is basic and polar, at codon 2826 of the DMD protein (p.Asp2826His). This variant is present in population databases (rs778675531, gnomAD 0.008%). This variant has not been reported in the literature in individuals affected with DMD-related conditions. ClinVar contains an entry for this variant (Variation ID: 1391446). Advanced modeling of protein sequence and biophysical properties (such as structural, functional, and spatial information, amino acid conservation, physicochemical variation, residue mobility, and thermodynamic stability) performed at Invitae indicates that this missense variant is not expected to disrupt DMD protein function. In summary, the available evidence is currently insufficient to determine the role of this variant in disease. Therefore, it has been classified as a Variant of Uncertain Significance.

NM_004006.3(DMD):c.8476G>C (p.Asp2826His)

Gene: DMD (dystrophin; minus strand). Cytogenetic location: Xp21.2.
Variant type: single nucleotide variant.
Coding change: c.8476G>C on transcript NM_004006.3 (MANE Select); coding-DNA position 8476, G replaced by C.
Protein change: p.Asp2826His; replaces aspartic acid 2826 with histidine.
Molecular consequence: missense variant.
Genome position (GRCh38, 1-based): chrX:31,496,859, C>G on the plus strand (G>C on the coding strand, the complement: DMD is on the minus strand). VCF-style: chrX-31496859-C-G. GRCh37 (hg19) VCF-style: chrX-31514976-C-G.
Other names: c.8452G>C, p.Asp2818His (NM_000109.4); c.8464G>C, p.Asp2822His (NM_004009.3); c.8107G>C, p.Asp2703His (NM_004010.3); c.4453G>C, p.Asp1485His (NM_004011.4); c.4444G>C, p.Asp1482His (NM_004012.4); c.1096G>C, p.Asp366His (NM_004013.3, NM_004020.4, NM_004021.3 and 2 more transcripts); c.289G>C, p.Asp97His (NM_004014.3); short protein forms D97H, D2818H, D2822H, D1485H, D2826H, D1482H, D2703H, D366H.
Identifiers: ClinVar variation 1391446 (VCV001391446.6), dbSNP rs778675531, ClinGen allele CA10378063.